The following is an entry in ClinVar:

ClinVar aggregate classification (germline): Uncertain significance. Review status: criteria provided, multiple submitters, no conflicts (2 of 4 stars). 2 submissions from 2 submitters: Uncertain significance (2). Last evaluated 2025-12-23.

Conditions:
Immunodeficiency. Identifiers: MedGen C0021051, MONDO:0021094, HP:0002721.

Allele frequency attached by ClinVar (database versions not stated): gnomAD exomes 0.00003 and 0.00004; TOPMed 0.00003; gnomAD 0.00007 and 0.00008; ESP Exome Variant Server 0.00008; ExAC 0.00003.
gnomAD v4.1: 67 of 1,614,046 alleles (0.0042%); highest among the groups gnomAD compares: Non-Finnish European, 0.0053%; no homozygotes.

Submissions (2):

Labcorp Genetics (formerly Invitae), Labcorp
Classification: Uncertain significance for Immunodeficiency. Last evaluated: 2025-12-23. Review status: criteria provided, single submitter. Criteria: Invitae Variant Classification Sherloc (09022015). Collection method: clinical testing. Allele origin: germline.
Comment: This sequence change replaces threonine, which is neutral and polar, with asparagine, which is neutral and polar, at codon 604 of the NFAT5 protein (p.Thr604Asn). This variant is present in population databases (rs376624071, gnomAD 0.006%). This variant has not been reported in the literature in individuals affected with NFAT5-related conditions. ClinVar contains an entry for this variant (Variation ID: 640242). An algorithm developed to predict the effect of missense changes on protein structure and function (PolyPhen-2) suggests that this variant is likely to be disruptive. In summary, the available evidence is currently insufficient to determine the role of this variant in disease. Therefore, it has been classified as a Variant of Uncertain Significance.

Ambry Genetics
Classification: Uncertain significance. Last evaluated: 2025-04-25. Review status: criteria provided, single submitter. Criteria: Ambry Variant Classification Scheme 2023. Collection method: clinical testing. Allele origin: germline.

NM_138713.4(NFAT5):c.2093C>A (p.Thr698Asn)

Gene: NFAT5 (nuclear factor of activated T cells 5; plus strand). Cytogenetic location: 16q22.1.
Variant type: single nucleotide variant.
Coding change: c.2093C>A on transcript NM_138713.4 (MANE Select); coding-DNA position 2093, C replaced by A.
Protein change: p.Thr698Asn; replaces threonine 698 with asparagine.
Molecular consequence: missense variant.
Genome position (GRCh38, 1-based): chr16:69,691,918, C>A. VCF-style: chr16-69691918-C-A. GRCh37 (hg19) VCF-style: chr16-69725821-C-A.
Other names: c.2093C>A, p.Thr698Asn (LRG_1332t1); c.2090C>A, p.Thr697Asn (NM_001113178.3); c.1418C>A, p.Thr473Asn (NM_001367709.1); c.2039C>A, p.Thr680Asn (NM_006599.4); c.1811C>A, p.Thr604Asn (NM_138714.4, NM_173214.3, NM_173215.3); c.2093C>A (NM_138713.3); short protein forms T697N, T473N, T604N, T680N, T698N.
Identifiers: ClinVar variation 640242 (VCV000640242.9), dbSNP rs376624071, ClinGen allele CA8135713.